The following is an entry in ClinVar:

NM_015175.3(NBEAL2):c.4949CAGCTGCAG[4] (p.Ala1658_Glu1659insAlaAlaAla)

Gene: NBEAL2 (neurobeachin like 2; plus strand). Cytogenetic location: 3p21.31.
Variant type: Microsatellite.
Coding change: c.4949CAGCTGCAG[4] on transcript NM_015175.3 (MANE Select); four copies in a row of the 9-base unit CAGCTGCAG starting at c.4949; the reference has three copies in a row; one copy, 9 bases duplicated.
Protein change: p.Ala1658_Glu1659insAlaAlaAla.
Molecular consequence: inframe indel (on NM_015175.2).
Genome position (GRCh38, 1-based): chr3:47,002,104-47,002,112, CAGCTGCAG duplicated; duplicating any 9 consecutive bases within chr3:47,002,085-47,002,112 gives the same sequence; the position shown is the placement nearest the transcript's 3' end. VCF-style (leftmost placement, unchanged base first): chr3-47002084-T-TGCAGCTGCA. GRCh37 (hg19) VCF-style: chr3-47043574-T-TGCAGCTGCA.
Other names: c.4847CAGCTGCAG[4], p.Ala1624_Glu1625insAlaAlaAla (NM_001365116.2); c.4949_4957CAGCTGCAG[4], p.Ala1658_Glu1659insAlaAlaAla (NM_015175.2); c.4967_4975dup9 (NM_015175.2).
Identifiers: ClinVar variation 3045152 (VCV003045152.4), dbSNP rs535036383, ClinGen allele CA2361398.

ClinVar aggregate classification (germline): Likely benign. Review status: criteria provided, multiple submitters, no conflicts (2 of 4 stars). 3 submissions from 3 submitters: Likely benign (2). 1 of the submissions does not count toward it. Last evaluated 2026-01-02.

Conditions:
NBEAL2-related disorder. Also called: NBEAL2-related condition.

Submissions (3):

Labcorp Genetics (formerly Invitae), Labcorp
Classification: Likely benign. Last evaluated: 2026-01-02. Review status: criteria provided, single submitter. Criteria: Invitae Variant Classification Sherloc (09022015). Collection method: clinical testing. Allele origin: germline.

Blueprint Genetics
Classification: Likely benign. Last evaluated: 2024-10-10. Review status: criteria provided, single submitter. Criteria: ACMG Guidelines, 2015. Collection method: clinical testing. Allele origin: germline.

PreventionGenetics, part of Exact Sciences
Classification: Likely benign for NBEAL2-related condition. Last evaluated: 2023-02-28. Review status: no assertion criteria provided. Collection method: clinical testing. Allele origin: germline. Not counted in ClinVar's aggregate classification.
Comment: This variant is classified as likely benign based on ACMG/AMP sequence variant interpretation guidelines (Richards et al. 2015 PMID: 25741868, with internal and published modifications).